The following is an entry in ClinVar:

NM_001142459.2(ASB10):c.1319G>T (p.Ser440Ile)

Gene: ASB10 (ankyrin repeat and SOCS box containing 10; minus strand). Cytogenetic location: 7q36.1.
Variant type: single nucleotide variant.
Coding change: c.1319G>T on transcript NM_001142459.2 (MANE Select); coding-DNA position 1319, G replaced by T.
Protein change: p.Ser440Ile; replaces serine 440 with isoleucine.
Molecular consequence: missense variant.
Genome position (GRCh38, 1-based): chr7:151,176,197, C>A on the plus strand (G>T on the coding strand, the complement: ASB10 is on the minus strand). VCF-style: chr7-151176197-C-A. GRCh37 (hg19) VCF-style: chr7-150873284-C-A.
Other names: c.1205G>T, p.Ser402Ile (NM_001142460.1); c.1274G>T, p.Ser425Ile (NM_080871.4); short protein forms S402I, S425I, S440I.
Identifiers: ClinVar variation 1945680 (VCV001945680.5), dbSNP rs1255332685, ClinGen allele CA370031585.
Genomic context (GRCh38, chr7:151,176,197, plus strand): 5'-AGCTGCAGGTAGCGGAGCAGGCGCGGTGGCAGGGGGAGGCGGGGCAGCGCTTGGGGCAGG[C>A]TGCCCTCCAGGTGGGAGCGGAGCGCACAGCGGCTCAAATGCTGCAGCGACCTGGGCTGCC-3'
Protein context (NP_001135931.2, residues 430-450): RCALRSHLEG[Ser440Ile]LPQALPRLPL

ClinVar aggregate classification (germline): Uncertain significance (1 of 4 stars; one submission).

Allele frequency attached by ClinVar (database versions not stated): gnomAD exomes below 0.00001.
gnomAD v4.1: 3 of 1,610,358 alleles (0.00019%); highest among the groups gnomAD compares: Admixed American, 0.0033%; no homozygotes.

Submission:

Labcorp Genetics (formerly Invitae), Labcorp
Classification: Uncertain significance. Last evaluated: 2021-12-19. Review status: criteria provided, single submitter. Criteria: Invitae Variant Classification Sherloc (09022015). Collection method: clinical testing. Allele origin: germline.
Comment: This sequence change replaces serine, which is neutral and polar, with isoleucine, which is neutral and non-polar, at codon 440 of the ASB10 protein (p.Ser440Ile). The frequency data for this variant in the population databases is considered unreliable, as metrics indicate poor data quality at this position in the gnomAD database. This variant has not been reported in the literature in individuals affected with ASB10-related conditions. Algorithms developed to predict the effect of missense changes on protein structure and function (SIFT, PolyPhen-2, Align-GVGD) all suggest that this variant is likely to be tolerated. In summary, the available evidence is currently insufficient to determine the role of this variant in disease. Therefore, it has been classified as a Variant of Uncertain Significance.